The following is an entry in ClinVar:

NM_012330.4(KAT6B):c.2861+27C>T

Gene: KAT6B (lysine acetyltransferase 6B; plus strand). Cytogenetic location: 10q22.2.
Variant type: single nucleotide variant.
Coding change: c.2861+27C>T on transcript NM_012330.4 (MANE Select); 27 bases into the intron after coding-DNA position 2861, C replaced by T.
Molecular consequence: intron variant.
Genome position (GRCh38, 1-based): chr10:75,020,840, C>T. VCF-style: chr10-75020840-C-T. GRCh37 (hg19) VCF-style: chr10-76780598-C-T.
Other names: c.1985+27C>T (NM_001370139.1, NM_001370140.1, NM_001370141.1 and 2 more transcripts); c.2861+27C>T (NM_001370136.1, NM_001370137.1); c.2312+27C>T (NM_001370138.1, NM_001256468.2); c.1172+27C>T (NM_001370133.1); c.776+27C>T (NM_001370134.1); c.1796+27C>T (NM_001370143.1, NM_001370144.1); c.1823+27C>T (NM_001370132.1); c.518+27C>T (NM_001370135.1).
Identifiers: ClinVar variation 561655 (VCV000561655.2), dbSNP rs118021194, ClinGen allele CA5564666.

ClinVar aggregate classification (germline): Likely benign. Review status: criteria provided, multiple submitters, no conflicts (2 of 4 stars). 2 submissions from 2 submitters: Likely benign (2). Last evaluated 2018-06-14.

Allele frequency attached by ClinVar (database versions not stated): 1000 Genomes Project 0.00300; 1000 Genomes Project 30x 0.00312; gnomAD exomes 0.00676 and 0.01061; ExAC 0.00697; gnomAD 0.00702 and 0.00720; TOPMed 0.00704; ESP Exome Variant Server 0.00815.
gnomAD v4.1: 16,179 of 1,591,040 alleles (1%); highest among the groups gnomAD compares: Non-Finnish European, 1.3%; 105 homozygotes.

Submissions (2):

GeneDx
Classification: Likely benign. Last evaluated: 2018-06-14. Review status: criteria provided, single submitter. Criteria: GeneDx Variant Classification (06012015). Collection method: clinical testing. Allele origin: germline. Affected: yes.
Comment: This variant is considered likely benign or benign based on one or more of the following criteria: it is a conservative change, it occurs at a poorly conserved position in the protein, it is predicted to be benign by multiple in silico algorithms, and/or has population frequency not consistent with disease.

Breakthrough Genomics
Classification: Likely benign. Review status: criteria provided, single submitter. Criteria: ACMG Guidelines, 2015. Collection method: not provided. Allele origin: germline. Inheritance: Autosomal dominant inheritance. Affected: yes.